The following is an entry in ClinVar:

ClinVar aggregate classification (germline): Uncertain significance (1 of 4 stars; one submission).

Conditions:
Developmental and epileptic encephalopathy 94 (DEE94). Also called: Epileptic encephalopathy, childhood-onset; CHD2-Related Neurodevelopmental Disorders. Identifiers: Orphanet 1942, Orphanet 2382, MedGen C3809278, MONDO:0014150, OMIM 615369.

Submission:

Labcorp Genetics (formerly Invitae), Labcorp
Classification: Uncertain significance for Developmental and epileptic encephalopathy 94. Last evaluated: 2021-03-04. Review status: criteria provided, single submitter. Criteria: Invitae Variant Classification Sherloc (09022015). Collection method: clinical testing. Allele origin: germline.
Comment: This sequence change replaces asparagine with tyrosine at codon 1654 of the CHD2 protein (p.Asn1654Tyr). The asparagine residue is moderately conserved and there is a large physicochemical difference between asparagine and tyrosine. This variant is not present in population databases (ExAC no frequency). This variant has not been reported in the literature in individuals with CHD2-related conditions. Advanced modeling of protein sequence and biophysical properties (such as structural, functional, and spatial information, amino acid conservation, physicochemical variation, residue mobility, and thermodynamic stability) performed at Invitae indicates that this missense variant is not expected to disrupt CHD2 protein function. In summary, the available evidence is currently insufficient to determine the role of this variant in disease. Therefore, it has been classified as a Variant of Uncertain Significance.

NM_001271.4(CHD2):c.4960A>T (p.Asn1654Tyr)

Gene: CHD2 (chromodomain helicase DNA binding protein 2; plus strand). Cytogenetic location: 15q26.1.
Variant type: single nucleotide variant.
Coding change: c.4960A>T on transcript NM_001271.4 (MANE Select); coding-DNA position 4960, A replaced by T.
Protein change: p.Asn1654Tyr; replaces asparagine 1654 with tyrosine.
Molecular consequence: missense variant.
Genome position (GRCh38, 1-based): chr15:93,020,065, A>T. VCF-style: chr15-93020065-A-T. GRCh37 (hg19) VCF-style: chr15-93563295-A-T.
Other names: short protein forms N1654Y.
Identifiers: ClinVar variation 1503504 (VCV001503504.8), dbSNP rs1437890850, ClinGen allele CA393907556.